The following is an entry in ClinVar:

ClinVar aggregate classification (germline): Pathogenic (1 of 4 stars; one submission).

Submission:

Labcorp Genetics (formerly Invitae), Labcorp
Classification: Pathogenic. Last evaluated: 2023-07-19. Review status: criteria provided, single submitter. Criteria: Invitae Variant Classification Sherloc (09022015). Collection method: clinical testing. Allele origin: germline.
Comment: This variant is not present in population databases (gnomAD no frequency). For these reasons, this variant has been classified as Pathogenic. This variant has not been reported in the literature in individuals affected with SLC12A3-related conditions. This sequence change creates a premature translational stop signal (p.Val242Cysfs*60) in the SLC12A3 gene. It is expected to result in an absent or disrupted protein product. Loss-of-function variants in SLC12A3 are known to be pathogenic (PMID: 20848653, 22009145, 25841442).

Literature cited by the submitters: PubMed 20848653; PubMed 22009145; PubMed 25841442.

NM_001126108.2(SLC12A3):c.723del (p.Val242fs)

Gene: SLC12A3 (solute carrier family 12 member 3; plus strand). Cytogenetic location: 16q13.
Variant type: Deletion.
Coding change: c.723del on transcript NM_001126108.2 (MANE Select); coding-DNA position 723, one base deleted (C; older notation c.723delC).
Protein change: p.Val242fs; shifts the reading frame from valine 242.
Molecular consequence: frameshift variant.
Genome position (GRCh38, 1-based): chr16:56,870,217, C deleted; the last of 2 consecutive C bases (chr16:56,870,216-56,870,217); deleting either gives the same sequence. VCF-style (leftmost placement, unchanged base first): chr16-56870215-AC-A. GRCh37 (hg19) VCF-style: chr16-56904127-AC-A.
Other names: c.723del, p.Val242fs (NM_000339.3); c.720del, p.Val241fs (NM_001126107.2, NM_001410896.1); short protein forms V241fs, V242fs.
Identifiers: ClinVar variation 2745133 (VCV002745133.3), dbSNP rs2543481820, ClinGen allele CA2697555854.